The following is an entry in ClinVar:

NM_001843.4(CNTN1):c.1583C>T (p.Ala528Val)

Gene: CNTN1 (contactin 1; plus strand). Cytogenetic location: 12q12.
Variant type: single nucleotide variant.
Coding change: c.1583C>T on transcript NM_001843.4 (MANE Select); coding-DNA position 1583, C replaced by T.
Protein change: p.Ala528Val; replaces alanine 528 with valine.
Molecular consequence: missense variant.
Genome position (GRCh38, 1-based): chr12:40,944,070, C>T. VCF-style: chr12-40944070-C-T. GRCh37 (hg19) VCF-style: chr12-41337872-C-T.
Other names: c.1583C>T, p.Ala528Val (NM_001256063.2, NM_001256064.2); c.1550C>T, p.Ala517Val (NM_175038.2); c.1583C>T (NM_001843.2); short protein forms A517V, A528V.
Identifiers: ClinVar variation 1020105 (VCV001020105.8), dbSNP rs779551448, ClinGen allele CA6516895.

ClinVar aggregate classification (germline): Uncertain significance. Review status: criteria provided, multiple submitters, no conflicts (2 of 4 stars). 2 submissions from 2 submitters: Uncertain significance (2). Last evaluated 2025-06-07.

Conditions:
Inborn genetic diseases. Identifiers: MedGen C0950123, MeSH D030342.
Compton-North congenital myopathy (CMYO12). Identifiers: Orphanet 210163, MedGen C2675527, MONDO:0012929, OMIM 612540.

Allele frequency attached by ClinVar (database versions not stated): ExAC 0.00001; gnomAD exomes 0.00001.
gnomAD v4.1: 12 of 1,613,492 alleles (0.00074%); highest among the groups gnomAD compares: Middle Eastern, 0.016%; no homozygotes.

Submissions (2):

Ambry Genetics
Classification: Uncertain significance for Inborn genetic diseases. Last evaluated: 2025-06-07. Review status: criteria provided, single submitter. Criteria: Ambry Variant Classification Scheme 2023. Collection method: clinical testing. Allele origin: germline.

Labcorp Genetics (formerly Invitae), Labcorp
Classification: Uncertain significance for Compton-North congenital myopathy. Last evaluated: 2022-03-18. Review status: criteria provided, single submitter. Criteria: Invitae Variant Classification Sherloc (09022015). Collection method: clinical testing. Allele origin: germline.
Comment: Advanced modeling of protein sequence and biophysical properties (such as structural, functional, and spatial information, amino acid conservation, physicochemical variation, residue mobility, and thermodynamic stability) performed at Invitae indicates that this missense variant is not expected to disrupt CNTN1 protein function. In summary, the available evidence is currently insufficient to determine the role of this variant in disease. Therefore, it has been classified as a Variant of Uncertain Significance. ClinVar contains an entry for this variant (Variation ID: 1020105). This variant has not been reported in the literature in individuals affected with CNTN1-related conditions. This variant is present in population databases (rs779551448, gnomAD 0.003%). This sequence change replaces alanine, which is neutral and non-polar, with valine, which is neutral and non-polar, at codon 528 of the CNTN1 protein (p.Ala528Val).